The following is an entry in ClinVar:

NM_002485.5(NBN):c.1882_1885del (p.Glu628fs)

Genes: NBN (nibrin; minus strand), LOC126860438 (MED14-independent group 3 enhancer GRCh37_chr8:90959982-90961181; plus strand). Cytogenetic location: 8q21.3.
Variant type: Deletion.
Coding change: c.1882_1885del on transcript NM_002485.5 (MANE Select); coding-DNA positions 1882 to 1885, 4 bases deleted (GAAG; older notation c.1882_1885delGAAG).
Protein change: p.Glu628fs; shifts the reading frame from glutamic acid 628.
Molecular consequence: frameshift variant.
Genome position (GRCh38, 1-based): chr8:89,947,853-89,947,856, CTTC deleted on the plus strand (GAAG on the coding strand, the reverse complement: NBN is on the minus strand); deleting any 4 consecutive bases within chr8:89,947,853-89,947,859 gives the same sequence; the c. name uses the placement nearest the transcript's 3' end. VCF-style (leftmost placement, unchanged base first): chr8-89947852-TCTTC-T. GRCh37 (hg19) VCF-style: chr8-90960080-TCTTC-T.
Other names: c.1882_1885delGAAG (NM_002485.4); c.1636_1639del, p.Glu546fs (NM_001024688.3); short protein forms E628fs, E546fs.
Identifiers: ClinVar variation 492103 (VCV000492103.24), dbSNP rs1178384498, ClinGen allele CA583379410.

ClinVar aggregate classification (germline): Pathogenic/Likely pathogenic. Review status: criteria provided, multiple submitters, no conflicts (2 of 4 stars). 10 submissions from 10 submitters: Pathogenic (5); Likely pathogenic (4). 1 of the submissions does not count toward it. Last evaluated 2024-07-27.

Conditions:
Microcephaly, normal intelligence and immunodeficiency (NBS). Also called: BERLIN BREAKAGE SYNDROME; Ataxia telangiectasia variant V1; IMMUNODEFICIENCY, MICROCEPHALY, AND CHROMOSOMAL INSTABILITY; SEEMANOVA SYNDROME II; Immunodeficiency, microcephaly with normal intelligence; Nijmegen breakage syndrome. Identifiers: Orphanet 647, MedGen C0398791, MONDO:0009623, OMIM 251260.
Aplastic anemia. Identifiers: Orphanet 182040, Orphanet 88, MedGen C0002874, MONDO:0015909, OMIM 609135, HP:0001915.
Acute lymphoid leukemia (ALL). Also called: Lymphoblastic leukemia; Leukemia, acute lymphoblastic, somatic; Acute lymphoblastic leukemia; Acute lymphocytic leukemia. Identifiers: Orphanet 513, MedGen C0023449, MONDO:0004967, OMIM 613065, HP:0006721.
Hereditary cancer-predisposing syndrome. Also called: Tumor predisposition; Neoplastic Syndromes, Hereditary; Hereditary Cancer Syndrome; Hereditary neoplastic syndrome. Identifiers: Orphanet 140162, MedGen C0027672, MeSH D009386, MONDO:0015356.

Submissions (10):

Labcorp Genetics (formerly Invitae), Labcorp
Classification: Pathogenic for Microcephaly, normal intelligence and immunodeficiency. Last evaluated: 2024-07-27. Review status: criteria provided, single submitter. Criteria: Invitae Variant Classification Sherloc (09022015). Collection method: clinical testing. Allele origin: germline.
Comment: This sequence change creates a premature translational stop signal (p.Glu628Thrfs*28) in the NBN gene. It is expected to result in an absent or disrupted protein product. Loss-of-function variants in NBN are known to be pathogenic (PMID: 9590180, 16415040). This variant is present in population databases (no rsID available, gnomAD 0.006%). This variant has not been reported in the literature in individuals affected with NBN-related conditions. ClinVar contains an entry for this variant (Variation ID: 492103). Algorithms developed to predict the effect of sequence changes on RNA splicing suggest that this variant may disrupt the consensus splice site. For these reasons, this variant has been classified as Pathogenic.

Fulgent Genetics
Classification: Likely pathogenic for Microcephaly, normal intelligence and immunodeficiency; Aplastic anemia; Acute lymphoid leukemia. Last evaluated: 2024-06-20. Review status: criteria provided, single submitter. Criteria: ACMG Guidelines, 2015. Collection method: clinical testing. Allele origin: germline.

Genetic Services Laboratory, University of Chicago
Classification: Likely pathogenic. Last evaluated: 2024-06-14. Review status: criteria provided, single submitter. Criteria: ACMG Guidelines, 2015. Collection method: clinical testing. Allele origin: germline. Affected: yes.
Comment: DNA sequence analysis of the NBN gene demonstrated a four base pair deletion in exon 12, c.1882_1885del. This likely pathogenic sequence change results in an amino acid frameshift and creates a premature stop codon 27 amino acids downstream of the change, p.Glu628Thrfs*28. This sequence change is predicted to result in an abnormal transcript, which may be degraded, or may lead to the production of a truncated NBN protein with potentially abnormal function. The c.1882_1885del sequence change has been described in the gnomAD database with a frequency of 0.0002% in the overall population (dbSNP rs1178384498). While this sequence change has not previously been described in the literature, other loss-of-function variants in the NBN gene have been described in several individuals with NBN-related disorders (PMID: 9590180, 16415040). Collectively, this evidence indicates that this sequence change is likely pathogenic, however functional studies have not been performed to prove this conclusively.

Baylor Genetics
Classification: Likely pathogenic for Aplastic anemia. Last evaluated: 2024-01-16. Review status: criteria provided, single submitter. Criteria: ACMG Guidelines, 2015. Collection method: clinical testing. Allele origin: unknown.

Ambry Genetics
Classification: Pathogenic for Hereditary cancer-predisposing syndrome. Last evaluated: 2024-01-02. Review status: criteria provided, single submitter. Criteria: Ambry Variant Classification Scheme 2023. Collection method: clinical testing. Allele origin: germline.
Comment: The c.1882_1885delGAAG variant, located in coding exon 12 of the NBN gene, results from a deletion of 4 nucleotides at nucleotide positions 1882 to 1885, causing a translational frameshift with a predicted alternate stop codon (p.E628Tfs*28). This alteration is expected to result in loss of function by premature protein truncation or nonsense-mediated mRNA decay. As such, this alteration is interpreted as a disease-causing mutation.

Genome-Nilou Lab
Classification: Pathogenic for Microcephaly, normal intelligence and immunodeficiency. Last evaluated: 2021-11-07. Review status: criteria provided, single submitter. Criteria: ACMG Guidelines, 2015. Collection method: clinical testing. Allele origin: germline. Affected: no.

GeneDx
Classification: Likely pathogenic. Last evaluated: 2021-10-26. Review status: criteria provided, single submitter. Criteria: GeneDx Variant Classification Process June 2021. Collection method: clinical testing. Allele origin: germline. Affected: yes.
Comment: Frameshift variant predicted to result in protein truncation or nonsense mediated decay in a gene for which loss-of-function is a known mechanism of disease; Not observed at significant frequency in large population cohorts (Lek et al., 2016); Has not been previously published as pathogenic or benign to our knowledge

Quest Diagnostics Nichols Institute San Juan Capistrano
Classification: Pathogenic. Last evaluated: 2021-01-19. Review status: criteria provided, single submitter. Criteria: Quest Diagnostics criteria. Collection method: clinical testing. Allele origin: unknown.
Comment: This frameshift variant causes the premature termination of NBN protein synthesis. To the best of our knowledge, the variant has not been reported in the published literature. Based on the available information, the variant is classified as pathogenic.

Color Diagnostics, LLC DBA Color Health
Classification: Pathogenic for Hereditary cancer-predisposing syndrome. Last evaluated: 2020-05-05. Review status: criteria provided, single submitter. Criteria: ACMG Guidelines, 2015. Collection method: clinical testing. Allele origin: germline.
Comment: This variant deletes 4 nucleotides in exon 12 of the NBN gene, creating a frameshift and premature translation stop signal. This variant is expected to result in an absent or non-functional protein product. To our knowledge, this variant has not been reported in individuals affected with hereditary cancer in the literature. This variant has been identified in 2/234924 chromosomes in the general population by the Genome Aggregation Database (gnomAD). Loss of NBN function is a known mechanism of disease. Based on the available evidence, this variant is classified as Pathogenic.

Natera, Inc.
Classification: Pathogenic for Nijmegen breakage syndrome. Last evaluated: 2020-09-16. Review status: no assertion criteria provided. Collection method: clinical testing. Allele origin: germline. Not counted in ClinVar's aggregate classification.

Literature cited by the submitters: PubMed 9590180 (cited by Labcorp Genetics (formerly Invitae), Labcorp); PubMed 16415040 (cited by Labcorp Genetics (formerly Invitae), Labcorp).